The following is an entry in ClinVar:

ClinVar aggregate classification (germline): Pathogenic (1 of 4 stars; one submission).

Conditions:
Very long chain acyl-CoA dehydrogenase deficiency (ACADVLD). Also called: VLCAD Deficiency; Very Long-Chain Acyl-Coenzyme A Dehydrogenase Deficiency. Identifiers: Orphanet 26793, MedGen C3887523, MONDO:0008723, OMIM 201475.

Submission:

Labcorp Genetics (formerly Invitae), Labcorp
Classification: Pathogenic for Very long chain acyl-CoA dehydrogenase deficiency. Last evaluated: 2023-04-11. Review status: criteria provided, single submitter. Criteria: Invitae Variant Classification Sherloc (09022015). Collection method: clinical testing. Allele origin: germline.
Comment: For these reasons, this variant has been classified as Pathogenic. This variant has not been reported in the literature in individuals affected with ACADVL-related conditions. This variant is not present in population databases (gnomAD no frequency). This sequence change creates a premature translational stop signal (p.Lys303Glyfs*10) in the ACADVL gene. It is expected to result in an absent or disrupted protein product. Loss-of-function variants in ACADVL are known to be pathogenic (PMID: 9973285, 11590124).

Literature cited by the submitters: PubMed 9973285; PubMed 11590124.

NM_000018.4(ACADVL):c.907_908del (p.Lys303fs)

Gene: ACADVL (acyl-CoA dehydrogenase very long chain; plus strand). Cytogenetic location: 17p13.1.
Variant type: Deletion.
Coding change: c.907_908del on transcript NM_000018.4 (MANE Select); coding-DNA positions 907 to 908, 2 bases deleted (AA; older notation c.907_908delAA).
Protein change: p.Lys303fs; shifts the reading frame from lysine 303.
Molecular consequence: frameshift variant.
Genome position (GRCh38, 1-based): chr17:7,222,695-7,222,696, AA deleted. VCF-style (leftmost placement, unchanged base first): chr17-7222694-CAA-C. GRCh37 (hg19) VCF-style: chr17-7126013-CAA-C.
Other names: c.841_842del, p.Lys281fs (NM_001033859.3); c.976_977del, p.Lys326fs (NM_001270447.2); c.679_680del, p.Lys227fs (NM_001270448.2); short protein forms K281fs, K303fs, K227fs, K326fs.
Identifiers: ClinVar variation 2855047 (VCV002855047.3), dbSNP rs2508315455, ClinGen allele CA2739267100.